The following is an entry in ClinVar:

ClinVar aggregate classification (germline): Uncertain significance (1 of 4 stars; one submission).

Conditions:
Familial focal epilepsy with variable foci (FPEVF). Identifiers: Orphanet 98820, MedGen C1858477, MONDO:0020310.

Allele frequency attached by ClinVar (database versions not stated): gnomAD 0.00001; TOPMed 0.00002.
gnomAD v4.1: 1 of 1,596,794 alleles (0.000063%); highest among the groups gnomAD compares: African/African-American, 0.0013%; no homozygotes.

Submission:

Labcorp Genetics (formerly Invitae), Labcorp
Classification: Uncertain significance for Familial focal epilepsy with variable foci. Last evaluated: 2023-10-12. Review status: criteria provided, single submitter. Criteria: Invitae Variant Classification Sherloc (09022015). Collection method: clinical testing. Allele origin: germline.
Comment: This sequence change replaces leucine, which is neutral and non-polar, with tryptophan, which is neutral and slightly polar, at codon 1126 of the DEPDC5 protein (p.Leu1126Trp). This variant is not present in population databases (gnomAD no frequency). This variant has not been reported in the literature in individuals affected with DEPDC5-related conditions. ClinVar contains an entry for this variant (Variation ID: 1006353). Experimental studies and prediction algorithms are not available or were not evaluated, and the functional significance of this variant is currently unknown. In summary, the available evidence is currently insufficient to determine the role of this variant in disease. Therefore, it has been classified as a Variant of Uncertain Significance.

NM_001242896.3(DEPDC5):c.3377T>G (p.Leu1126Trp)

Gene: DEPDC5 (DEP domain containing 5, GATOR1 subcomplex subunit; plus strand). Cytogenetic location: 22q12.3.
Variant type: single nucleotide variant.
Coding change: c.3377T>G on transcript NM_001242896.3 (MANE Select); coding-DNA position 3377, T replaced by G.
Protein change: p.Leu1126Trp; replaces leucine 1126 with tryptophan.
Molecular consequence: missense variant. On other transcripts: non-coding transcript variant (5).
Genome position (GRCh38, 1-based): chr22:31,870,636, T>G. VCF-style: chr22-31870636-T-G. GRCh37 (hg19) VCF-style: chr22-32266622-T-G.
Other names: c.3350T>G, p.Leu1117Trp (NM_001136029.4); c.3077T>G, p.Leu1026Trp (NM_001242897.2); c.3311T>G, p.Leu1104Trp (NM_001363852.2, NM_001364320.2); c.3143T>G, p.Leu1048Trp (NM_001363854.2, NM_001364319.2); c.3377T>G, p.Leu1126Trp (NM_001364318.2); c.3293T>G, p.Leu1098Trp (NM_001369901.1, NM_001369902.1); c.3284T>G, p.Leu1095Trp (NM_001369903.1, NM_014662.6); short protein forms L1026W, L1048W, L1095W, L1098W, L1104W, L1117W, L1126W.
Identifiers: ClinVar variation 1006353 (VCV001006353.8), dbSNP rs1209384122, ClinGen allele CA411296532.
Genomic context (GRCh38, chr22:31,870,636, plus strand): 5'-TAAATCTCCTGCAGGTATCTGTGGACCAAACAGCCACTCCTATGTTGGACGGCACCAGTT[T>G]GGGCATATGCACAGGCCAATCCATGGACAGAGGCAACAGCCAGACCTTTGGGAACTCCCA-3'
Protein context (NP_001229825.1, residues 1116-1136): TATPMLDGTS[Leu1126Trp]GICTGQSMDR